The following is an entry in ClinVar:

ClinVar aggregate classification (germline): Likely pathogenic (1 of 4 stars; one submission).

Conditions:
Alport syndrome. Also called: Hemorrhagic familial nephritis; Hemorrhagic hereditary nephritis; Congenital hereditary hematuria. Identifiers: Orphanet 63, MedGen C1567741, MONDO:0018965.

Submission:

Natera, Inc.
Classification: Likely pathogenic for Alport syndrome. Last evaluated: 2025-03-22. Review status: criteria provided, single submitter. Criteria: Natera Variant Classification Schema (03/2026). Collection method: clinical testing. Allele origin: germline.
Comment: The c.1994G>A variant in COL4A3 is a missense variant predicted to cause substitution of glycine to aspartic acid at amino acid 665. This variant is rare in the general population with a frequency below the threshold expected for the associated phenotype(s). This variant has been observed in one or more individuals affected with the associated recessive disease, as either homozygous or compound heterozygous with a second variant (PMID: 35369551). This variant is located in a functionally critical region of the protein. Computational prediction algorithms indicate this variant is likely to affect gene or protein function. Given the available evidence, this variant is classified as Likely Pathogenic.

Literature cited by the submitters: PubMed 35369551.

NM_000091.5(COL4A3):c.1994G>A (p.Gly665Asp)

Genes: COL4A3 (collagen type IV alpha 3 chain; plus strand), MFF-DT (MFF divergent transcript; minus strand). Cytogenetic location: 2q36.3.
Variant type: single nucleotide variant.
Coding change: c.1994G>A on transcript NM_000091.5 (MANE Select); coding-DNA position 1994, G replaced by A.
Protein change: p.Gly665Asp; replaces glycine 665 with aspartic acid.
Molecular consequence: missense variant.
Genome position (GRCh38, 1-based): chr2:227,276,451, G>A. VCF-style: chr2-227276451-G-A. GRCh37 (hg19) VCF-style: chr2-228141167-G-A.
Other names: short protein forms G665D.
Identifiers: ClinVar variation 4064955 (VCV004064955.2).
Genomic context (GRCh38, chr2:227,276,451, plus strand): 5'-GGGGAGAGCTCAGTGTTTCAACACCAGTTCCAGGCCCACCAGGACCTCCAGGGCCCCCTG[G>A]CCATCCTGGCCCCCAAGGTCCACCTGGTAAGTATCCTCTGCCAAATCTGGTACATGGCAT-3'
Protein context (NP_000082.2, residues 655-675): PGPPGPPGPP[Gly665Asp]HPGPQGPPGI